The following is an entry in ClinVar:

NM_198999.3(SLC26A5):c.471C>T (p.Val157=)

Gene: SLC26A5 (solute carrier family 26 member 5; minus strand). Cytogenetic location: 7q22.1.
Variant type: single nucleotide variant.
Coding change: c.471C>T on transcript NM_198999.3 (MANE Select); coding-DNA position 471, C replaced by T.
Protein change: p.Val157=; no amino-acid change (valine 157 retained).
Molecular consequence: synonymous variant. On other transcripts: non-coding transcript variant (5).
Genome position (GRCh38, 1-based): chr7:103,411,519, G>A on the plus strand (C>T on the coding strand, the complement: SLC26A5 is on the minus strand). VCF-style: chr7-103411519-G-A. GRCh37 (hg19) VCF-style: chr7-103051966-G-A.
Other names: c.471C>T, p.Val157= (NM_001167962.2, NM_001321787.2, NM_206883.3 and 2 more transcripts).
Identifiers: ClinVar variation 3048824 (VCV003048824.4), dbSNP rs764978809, ClinGen allele CA4419776.

ClinVar aggregate classification (germline): Likely benign. Review status: criteria provided, single submitter (1 of 4 stars). 2 submissions from 2 submitters: Likely benign (1). 1 of the submissions does not count toward it. Last evaluated 2024-11-14.

Conditions:
SLC26A5-related disorder. Also called: SLC26A5-related condition.

Allele frequency attached by ClinVar (database versions not stated): TOPMed 0.00001; gnomAD 0.00003; gnomAD exomes 0.00004 and 0.00008; ExAC 0.00010.
gnomAD v4.1: 65 of 1,614,162 alleles (0.004%); highest among the groups gnomAD compares: South Asian, 0.066%; no homozygotes.

Submissions (2):

Labcorp Genetics (formerly Invitae), Labcorp
Classification: Likely benign. Last evaluated: 2024-11-14. Review status: criteria provided, single submitter. Criteria: Invitae Variant Classification Sherloc (09022015). Collection method: clinical testing. Allele origin: germline.

PreventionGenetics, part of Exact Sciences
Classification: Likely benign for SLC26A5-related condition. Last evaluated: 2019-11-16. Review status: no assertion criteria provided. Collection method: clinical testing. Allele origin: germline. Not counted in ClinVar's aggregate classification.
Comment: This variant is classified as likely benign based on ACMG/AMP sequence variant interpretation guidelines (Richards et al. 2015 PMID: 25741868, with internal and published modifications).